The following is an entry in ClinVar:

NM_006005.3(WFS1):c.2549G>T (p.Cys850Phe)

Gene: WFS1 (wolframin ER transmembrane glycoprotein; plus strand). Cytogenetic location: 4p16.1.
Variant type: single nucleotide variant.
Coding change: c.2549G>T on transcript NM_006005.3 (MANE Select); coding-DNA position 2549, G replaced by T.
Protein change: p.Cys850Phe; replaces cysteine 850 with phenylalanine.
Molecular consequence: missense variant.
Genome position (GRCh38, 1-based): chr4:6,302,344, G>T. VCF-style: chr4-6302344-G-T. GRCh37 (hg19) VCF-style: chr4-6304071-G-T.
Other names: c.2549G>T, p.Cys850Phe (NM_001145853.1); short protein forms C850F.
Identifiers: ClinVar variation 4278742 (VCV004278742.2).

ClinVar aggregate classification (germline): Uncertain significance. Review status: criteria provided, multiple submitters, no conflicts (2 of 4 stars). 2 submissions from 2 submitters: Uncertain significance (2). Last evaluated 2025-04-02.

Conditions:
WFS1-related disorder. Identifiers: MedGen CN379391, MONDO:0700293.

Submissions (2):

GeneDx
Classification: Uncertain significance. Last evaluated: 2025-04-02. Review status: criteria provided, single submitter. Criteria: GeneDx Variant Classification Process June 2021. Collection method: clinical testing. Allele origin: germline. Affected: yes.
Comment: Not observed at significant frequency in large population cohorts (gnomAD); In silico analysis supports that this missense variant has a deleterious effect on protein structure/function; Has not been previously published as pathogenic or benign to our knowledge

PreventionGenetics, part of Exact Sciences
Classification: Uncertain significance for WFS1-related condition. Last evaluated: 2024-12-02. Review status: criteria provided, single submitter. Criteria: ACMG Guidelines, 2015. Collection method: clinical testing. Allele origin: germline.
Comment: The WFS1 c.2549G>T variant is predicted to result in the amino acid substitution p.Cys850Phe. To our knowledge, this variant has not been reported in the literature or in a large population database (gnomAD), indicating this variant is rare. At this time, the clinical significance of this variant is uncertain due to the absence of conclusive functional and genetic evidence.